The following is an entry in ClinVar:

NM_053025.4(MYLK):c.2429T>A (p.Met810Lys)

Gene: MYLK (myosin light chain kinase; minus strand). Cytogenetic location: 3q21.1.
Variant type: single nucleotide variant.
Coding change: c.2429T>A on transcript NM_053025.4 (MANE Select); coding-DNA position 2429, T replaced by A.
Protein change: p.Met810Lys; replaces methionine 810 with lysine.
Molecular consequence: missense variant.
Genome position (GRCh38, 1-based): chr3:123,701,471, A>T on the plus strand (T>A on the coding strand, the complement: MYLK is on the minus strand). VCF-style: chr3-123701471-A-T. GRCh37 (hg19) VCF-style: chr3-123420318-A-T.
Other names: c.1901T>A, p.Met634Lys (NM_001321309.2); c.2222T>A, p.Met741Lys (NM_053026.4, NM_053028.4); c.2429T>A, p.Met810Lys (NM_053027.4); short protein forms M810K, M634K, M741K.
Identifiers: ClinVar variation 451436 (VCV000451436.11), dbSNP rs1553805024, ClinGen allele CA354232689.
Genomic context (GRCh38, chr3:123,701,471, plus strand): 5'-GGAGGGGCAGCTCCTGGGGGCACTCACCGTGGAAGGGCTCTGGCAGAGCTGTTCTGTAGC[A>T]TCAGTGACACCTGGCAACTGCATTCGCCAACCCGGTTCCTGAAGAATTCCAAAGATCAAT-3'
Protein context (NP_444253.3, residues 800-820): VGECSCQVSL[Met810Lys]LQNSSARALP

ClinVar aggregate classification (germline): Uncertain significance. Review status: criteria provided, multiple submitters, no conflicts (2 of 4 stars). 4 submissions from 4 submitters: Uncertain significance (4). Last evaluated 2025-07-09.

Conditions:
MYLK-related disorder. Also called: MYLK-related condition.
Aortic aneurysm, familial thoracic 7 (AAT7). Also called: AORTIC DISSECTION, FAMILIAL, WITH OR WITHOUT AORTIC ANEURYSM. Identifiers: MedGen C3151077, MONDO:0013418, OMIM 613780.
Familial thoracic aortic aneurysm and aortic dissection (TAAD). Also called: Thoracic aortic aneurysms and dissections. Identifiers: Orphanet 91387, MedGen C4707243, MONDO:0019625.

Allele frequency attached by ClinVar (database versions not stated): gnomAD exomes below 0.00001.
gnomAD v4.1: 4 of 1,614,102 alleles (0.00025%); highest among the groups gnomAD compares: Admixed American, 0.0017%; no homozygotes.

Submissions (4):

PreventionGenetics, part of Exact Sciences
Classification: Uncertain significance for MYLK-related condition. Last evaluated: 2025-07-09. Review status: criteria provided, single submitter. Criteria: ACMG Guidelines, 2015. Collection method: clinical testing. Allele origin: germline.
Comment: The MYLK c.2429T>A variant is predicted to result in the amino acid substitution p.Met810Lys. To our knowledge, this variant has not been reported in the literature or in a large population database (gnomAD), indicating this variant is rare. At this time, the clinical significance of this variant is uncertain due to the absence of conclusive functional and genetic evidence.

Ambry Genetics
Classification: Uncertain significance for Familial thoracic aortic aneurysm and aortic dissection. Last evaluated: 2024-11-30. Review status: criteria provided, single submitter. Criteria: Ambry Variant Classification Scheme 2023. Collection method: clinical testing. Allele origin: germline.
Comment: The p.M810K variant (also known as c.2429T>A), located in coding exon 14 of the MYLK gene, results from a T to A substitution at nucleotide position 2429. The methionine at codon 810 is replaced by lysine, an amino acid with similar properties. This amino acid position is highly conserved in available vertebrate species; however, lysine is the reference amino acid in other vertebrate species. In addition, the in silico prediction for this alteration is inconclusive. Since supporting evidence is limited at this time, the clinical significance of this alteration remains unclear.

GeneDx
Classification: Uncertain significance. Last evaluated: 2022-12-21. Review status: criteria provided, single submitter. Criteria: GeneDx Variant Classification Process June 2021. Collection method: clinical testing. Allele origin: germline. Affected: yes.
Comment: Not observed at significant frequency in large population cohorts (gnomAD); In silico analysis supports that this missense variant does not alter protein structure/function; Has not been previously published as pathogenic or benign to our knowledge

Labcorp Genetics (formerly Invitae), Labcorp
Classification: Uncertain significance for Aortic aneurysm, familial thoracic 7. Last evaluated: 2021-09-19. Review status: criteria provided, single submitter. Criteria: Invitae Variant Classification Sherloc (09022015). Collection method: clinical testing. Allele origin: germline.
Comment: ClinVar contains an entry for this variant (Variation ID: 451436). Advanced modeling of protein sequence and biophysical properties (such as structural, functional, and spatial information, amino acid conservation, physicochemical variation, residue mobility, and thermodynamic stability) performed at Invitae indicates that this missense variant is not expected to disrupt MYLK protein function. In summary, the available evidence is currently insufficient to determine the role of this variant in disease. Therefore, it has been classified as a Variant of Uncertain Significance. This variant has not been reported in the literature in individuals affected with MYLK-related conditions. This sequence change replaces methionine with lysine at codon 810 of the MYLK protein (p.Met810Lys). The methionine residue is highly conserved and there is a moderate physicochemical difference between methionine and lysine. This variant is not present in population databases (ExAC no frequency).